The following is an entry in ClinVar:

ClinVar aggregate classification (germline): Uncertain significance (1 of 4 stars; one submission).

Conditions:
Neurodevelopmental disorder with hypotonia, stereotypic hand movements, and impaired language. Also called: Intellectual disability, autosomal dominant 20. Identifiers: Orphanet 228384, Orphanet 664410, MedGen C3150700, MONDO:0013266, OMIM 613443.

Submission:

Labcorp Genetics (formerly Invitae), Labcorp
Classification: Uncertain significance for Neurodevelopmental disorder with hypotonia, stereotypic hand movements, and impaired language. Last evaluated: 2024-04-20. Review status: criteria provided, single submitter. Criteria: Invitae Variant Classification Sherloc (09022015). Collection method: clinical testing. Allele origin: germline.
Comment: This sequence change replaces threonine, which is neutral and polar, with alanine, which is neutral and non-polar, at codon 318 of the MEF2C protein (p.Thr318Ala). This variant is not present in population databases (gnomAD no frequency). This variant has not been reported in the literature in individuals affected with MEF2C-related conditions. Advanced modeling of protein sequence and biophysical properties (such as structural, functional, and spatial information, amino acid conservation, physicochemical variation, residue mobility, and thermodynamic stability) performed at Invitae indicates that this missense variant is not expected to disrupt MEF2C protein function with a negative predictive value of 80%. In summary, the available evidence is currently insufficient to determine the role of this variant in disease. Therefore, it has been classified as a Variant of Uncertain Significance.

NM_002397.5(MEF2C):c.952A>G (p.Thr318Ala)

Gene: MEF2C (myocyte enhancer factor 2C; minus strand). Cytogenetic location: 5q14.3.
Variant type: single nucleotide variant.
Coding change: c.952A>G on transcript NM_002397.5 (MANE Select); coding-DNA position 952, A replaced by G.
Protein change: p.Thr318Ala; replaces threonine 318 with alanine.
Molecular consequence: missense variant.
Genome position (GRCh38, 1-based): chr5:88,729,230, T>C on the plus strand (A>G on the coding strand, the complement: MEF2C is on the minus strand). VCF-style: chr5-88729230-T-C. GRCh37 (hg19) VCF-style: chr5-88025047-T-C.
Other names: c.928A>G, p.Thr310Ala (NM_001364341.2, NM_001364342.2, NM_001364348.2 and 6 more transcripts); c.922A>G, p.Thr308Ala (NM_001364343.2, NM_001364352.2, NM_001131005.2); c.808A>G, p.Thr270Ala (NM_001364344.2, NM_001364354.2, NM_001364355.2 and 2 more transcripts); c.952A>G, p.Thr318Ala (NM_001364345.2, NM_001364346.2, NM_001364347.2 and 9 more transcripts); c.574A>G, p.Thr192Ala (NM_001364353.2, NM_001364356.2); c.502A>G, p.Thr168Ala (NM_001364357.2); c.982A>G, p.Thr328Ala (NM_001193347.1, NM_001364338.2); c.784A>G, p.Thr262Ala (NM_001193348.1); short protein forms T262A, T310A, T168A, T192A, T318A, T308A, T270A, T328A.
Identifiers: ClinVar variation 3678175 (VCV003678175.2).